The following is an entry in ClinVar:

ClinVar aggregate classification (germline): Uncertain significance. Review status: criteria provided, multiple submitters, no conflicts (2 of 4 stars). 7 submissions from 7 submitters: Uncertain significance (7). Last evaluated 2025-10-31.

Conditions:
Inborn genetic diseases. Identifiers: MedGen C0950123, MeSH D030342.
RYR1-related disorder. Also called: RYR1-related condition; RYR1-related disorders. Identifiers: MedGen CN239331.
Malignant hyperthermia, susceptibility to, 1 (MHS1). Also called: RYR1-Related Malignant Hyperthermia Susceptibility; Anesthesia related hyperthermia; Malignant hyperpyrexia; Fulminating hyperpyrexia; Pharmacogenic myopathy; Malignant hyperthermia suceptibility 1. Identifiers: Orphanet 423, MedGen C2930980, MONDO:0007783, OMIM 145600.
Central core myopathy (CMYO1A). Also called: Central core disease; Myopathy, central fibrillar; CONGENITAL MYOPATHY 1A, AUTOSOMAL DOMINANT, WITH SUSCEPTIBILITY TO MALIGNANT HYPERTHERMIA. Identifiers: Orphanet 597, MedGen C5830701, MONDO:0007294, OMIM 117000.
Congenital myopathy with fiber type disproportion. Also called: Congenital fiber-type disproportion myopathy; Congenital fiber-type disproportion. Identifiers: Orphanet 2020, MedGen C0546264, MONDO:0009711. Inheritance: all.
Congenital multicore myopathy with external ophthalmoplegia (CMYO1B). Also called: Congenital myopathy 1B, autosomal recessive; Minicore myopathy; Minicore myopathy with external ophthalmoplegia; MULTIMINICORE DISEASE WITH EXTERNAL OPHTHALMOPLEGIA; MULTICORE MYOPATHY. Identifiers: Orphanet 598, Orphanet 98905, MedGen C1850674, MONDO:0009712, OMIM 255320, HP:0003789.
King Denborough syndrome (KDS). Identifiers: MedGen C1840365, MONDO:0020485, OMIM 619542.
RYR1-related myopathy. Identifiers: Orphanet 98742, MedGen CN305348, MONDO:0100150.

Allele frequency attached by ClinVar (database versions not stated): gnomAD exomes 0.00001; TOPMed 0.00004; gnomAD 0.00005.
gnomAD v4.1: 30 of 1,613,984 alleles (0.0019%); highest among the groups gnomAD compares: Admixed American, 0.0083%; no homozygotes.

Submissions (7):

Dasa
Classification: Uncertain significance for RYR1-related myopathy. Last evaluated: 2025-10-31. Review status: criteria provided, single submitter. Criteria: DASA Assertion Criteria. Collection method: clinical testing. Allele origin: germline.
Comment: NM_000540.3(RYR1):c.2269C>T (p.Arg757Cys) is a missense variant that results in the substitution of arginine with cysteine. This variant is rare in population databases. The currently available literature and clinical evidence are not sufficient to establish a definitive association between this variant and the reported condition. Therefore, this variant is classified as a variant of uncertain significance.

Ambry Genetics
Classification: Uncertain significance for Inborn genetic diseases. Last evaluated: 2025-04-13. Review status: criteria provided, single submitter. Criteria: Ambry Variant Classification Scheme 2023. Collection method: clinical testing. Allele origin: germline.

Labcorp Genetics (formerly Invitae), Labcorp
Classification: Uncertain significance for RYR1-related disorder. Last evaluated: 2024-12-05. Review status: criteria provided, single submitter. Criteria: Invitae Variant Classification Sherloc (09022015). Collection method: clinical testing. Allele origin: germline.
Comment: This sequence change replaces arginine, which is basic and polar, with cysteine, which is neutral and slightly polar, at codon 757 of the RYR1 protein (p.Arg757Cys). This variant is present in population databases (no rsID available, gnomAD 0.006%). This variant has not been reported in the literature in individuals affected with RYR1-related conditions. ClinVar contains an entry for this variant (Variation ID: 566364). Invitae Evidence Modeling of protein sequence and biophysical properties (such as structural, functional, and spatial information, amino acid conservation, physicochemical variation, residue mobility, and thermodynamic stability) has been performed for this missense variant. However, the output from this modeling did not meet the statistical confidence thresholds required to predict the impact of this variant on RYR1 protein function. In summary, the available evidence is currently insufficient to determine the role of this variant in disease. Therefore, it has been classified as a Variant of Uncertain Significance.

All of Us Research Program, National Institutes of Health
Classification: Uncertain significance for Malignant hyperthermia, susceptibility to, 1. Last evaluated: 2024-09-23. Review status: criteria provided, single submitter. Criteria: ACMG Guidelines, 2015. Collection method: clinical testing. Allele origin: germline. Inheritance: Autosomal dominant inheritance. Observed: 8 variant alleles, 8 heterozygotes.
Comment: This missense variant replaces arginine with cysteine at codon 757 of the RYR1 protein. Computational prediction is inconclusive regarding the impact of this variant on protein structure and function (internally defined REVEL score threshold 0.5 < inconclusive < 0.7, PMID: 27666373). To our knowledge, functional studies have not been reported for this variant. This variant has not been reported in individuals affected with RYR1-related disorders in the literature. This variant has been identified in 4/282812 chromosomes in the general population by the Genome Aggregation Database (gnomAD). The available evidence is insufficient to determine the role of this variant in disease conclusively. Therefore, this variant is classified as a Variant of Uncertain Significance.

This study involves interpretation of variants in research participants for the purpose of population health screening. Participant phenotype was not available at the time of variant classification. Additional details can be found in publication PMID: 35346344, PMCID: PMC8962531

GeneDx
Classification: Uncertain significance. Last evaluated: 2024-09-22. Review status: criteria provided, single submitter. Criteria: GeneDx Variant Classification Process June 2021. Collection method: clinical testing. Allele origin: germline. Affected: yes.
Comment: Not observed at significant frequency in large population cohorts (gnomAD); In silico analysis supports that this missense variant has a deleterious effect on protein structure/function; Has not been previously published as pathogenic or benign to our knowledge; This variant is associated with the following publications: (PMID: 29245897)

Color Diagnostics, LLC DBA Color Health
Classification: Uncertain significance for Malignant hyperthermia, susceptibility to, 1. Last evaluated: 2024-03-19. Review status: criteria provided, single submitter. Criteria: ACMG Guidelines, 2015. Collection method: clinical testing. Allele origin: germline.
Comment: This missense variant replaces arginine with cysteine at codon 757 of the RYR1 protein. Computational prediction is inconclusive regarding the impact of this variant on protein structure and function. To our knowledge, functional studies have not been reported for this variant. This variant has not been reported in individuals affected with RYR1-related disorders in the literature. This variant has been identified in 4/282812 chromosomes in the general population by the Genome Aggregation Database (gnomAD). The available evidence is insufficient to determine the role of this variant in disease conclusively. Therefore, this variant is classified as a Variant of Uncertain Significance.

Fulgent Genetics
Classification: Uncertain significance for Central core myopathy; Malignant hyperthermia, susceptibility to, 1; Congenital myopathy 4A, autosomal dominant; Congenital multicore myopathy with external ophthalmoplegia; King Denborough syndrome. Last evaluated: 2021-08-23. Review status: criteria provided, single submitter. Criteria: ACMG Guidelines, 2015. Collection method: clinical testing. Allele origin: unknown.

NM_000540.3(RYR1):c.2269C>T (p.Arg757Cys)

Gene: RYR1 (ryanodine receptor 1; plus strand). Cytogenetic location: 19q13.2.
Variant type: single nucleotide variant.
Coding change: c.2269C>T on transcript NM_000540.3 (MANE Select); coding-DNA position 2269, C replaced by T.
Protein change: p.Arg757Cys; replaces arginine 757 with cysteine.
Molecular consequence: missense variant.
Genome position (GRCh38, 1-based): chr19:38,459,247, C>T. VCF-style: chr19-38459247-C-T. GRCh37 (hg19) VCF-style: chr19-38949887-C-T.
Other names: c.2269C>T, p.Arg757Cys (NM_001042723.2); short protein forms R757C.
Identifiers: ClinVar variation 566364 (VCV000566364.13), dbSNP rs890373465, ClinGen allele CA308070147.